The following is an entry in ClinVar:

ClinVar aggregate classification (germline): Uncertain significance. Review status: criteria provided, multiple submitters, no conflicts (2 of 4 stars). 2 submissions from 2 submitters: Uncertain significance (2). Last evaluated 2025-05-11.

Conditions:
NIK deficiency. Also called: Primary immunodeficiency with multifaceted aberrant lymphoid immunity. Identifiers: Orphanet 447731, MedGen C5680065, MONDO:0018642.

Allele frequency attached by ClinVar (database versions not stated): ExAC 0.00001; gnomAD 0.00002; gnomAD exomes 0.00003; TOPMed 0.00003.

Submissions (2):

Labcorp Genetics (formerly Invitae), Labcorp
Classification: Uncertain significance for NIK deficiency. Last evaluated: 2025-05-11. Review status: criteria provided, single submitter. Criteria: Invitae Variant Classification Sherloc (09022015). Collection method: clinical testing. Allele origin: germline.
Comment: This sequence change replaces arginine, which is basic and polar, with tryptophan, which is neutral and slightly polar, at codon 432 of the MAP3K14 protein (p.Arg432Trp). This variant is present in population databases (rs774309672, gnomAD 0.003%). This variant has not been reported in the literature in individuals affected with MAP3K14-related conditions. ClinVar contains an entry for this variant (Variation ID: 1879374). Experimental studies and prediction algorithms are not available or were not evaluated, and the functional significance of this variant is currently unknown. In summary, the available evidence is currently insufficient to determine the role of this variant in disease. Therefore, it has been classified as a Variant of Uncertain Significance.

CeGaT Center for Human Genetics Tuebingen
Classification: Uncertain significance. Last evaluated: 2022-12-01. Review status: criteria provided, single submitter. Criteria: CeGaT Center For Human Genetics Tuebingen Variant Classification Criteria Version 2. Collection method: clinical testing. Allele origin: germline. Affected: yes. Observed: 1 variant allele.
Comment: MAP3K14: PM2, BP4

NM_003954.5(MAP3K14):c.1294C>T (p.Arg432Trp)

Gene: MAP3K14 (mitogen-activated protein kinase kinase kinase 14; minus strand). Cytogenetic location: 17q21.31.
Variant type: single nucleotide variant.
Coding change: c.1294C>T on transcript NM_003954.5 (MANE Select); coding-DNA position 1294, C replaced by T.
Protein change: p.Arg432Trp; replaces arginine 432 with tryptophan.
Molecular consequence: missense variant.
Genome position (GRCh38, 1-based): chr17:45,274,590, G>A on the plus strand (C>T on the coding strand, the complement: MAP3K14 is on the minus strand). VCF-style: chr17-45274590-G-A. GRCh37 (hg19) VCF-style: chr17-43351957-G-A.
Other names: short protein forms R432W.
Identifiers: ClinVar variation 1879374 (VCV001879374.30), dbSNP rs774309672, ClinGen allele CA8614170.